The following is an entry in ClinVar:

ClinVar aggregate classification (germline): Uncertain significance (1 of 4 stars; one submission).

gnomAD v4.1: 13 of 1,613,882 alleles (0.00081%); highest among the groups gnomAD compares: Non-Finnish European, 0.0011%; no homozygotes.

Submission:

GeneDx
Classification: Uncertain significance. Last evaluated: 2023-10-19. Review status: criteria provided, single submitter. Criteria: GeneDx Variant Classification Process June 2021. Collection method: clinical testing. Allele origin: germline. Affected: yes.
Comment: Not observed at significant frequency in large population cohorts (gnomAD); In silico analysis supports that this missense variant has a deleterious effect on protein structure/function; Has not been previously published as pathogenic or benign to our knowledge; This variant is associated with the following publications: (PMID: 25240749)

NM_001854.4(COL11A1):c.1756G>A (p.Gly586Arg)

Gene: COL11A1 (collagen type XI alpha 1 chain; minus strand). Cytogenetic location: 1p21.1.
Variant type: single nucleotide variant.
Coding change: c.1756G>A on transcript NM_001854.4 (MANE Select); coding-DNA position 1756, G replaced by A.
Protein change: p.Gly586Arg; replaces glycine 586 with arginine.
Molecular consequence: missense variant. On other transcripts: non-coding transcript variant (1).
Genome position (GRCh38, 1-based): chr1:103,006,103, C>T on the plus strand (G>A on the coding strand, the complement: COL11A1 is on the minus strand). VCF-style: chr1-103006103-C-T. GRCh37 (hg19) VCF-style: chr1-103471659-C-T.
Other names: c.1639G>A, p.Gly547Arg (NM_001190709.2); c.1792G>A, p.Gly598Arg (NM_080629.3); c.1408G>A, p.Gly470Arg (NM_080630.4); short protein forms G470R, G547R, G586R, G598R.
Identifiers: ClinVar variation 3366165 (VCV003366165.1).